The following is an entry in ClinVar:

NM_001369268.1(ACAN):c.1392G>A (p.Gln464=)

Gene: ACAN (aggrecan; plus strand). Cytogenetic location: 15q26.1.
Variant type: single nucleotide variant.
Coding change: c.1392G>A on transcript NM_001369268.1 (MANE Select); coding-DNA position 1392, G replaced by A.
Protein change: p.Gln464=; no amino-acid change (glutamine 464 retained).
Molecular consequence: synonymous variant.
Genome position (GRCh38, 1-based): chr15:88,845,845, G>A. VCF-style: chr15-88845845-G-A. GRCh37 (hg19) VCF-style: chr15-89389076-G-A.
Other names: c.1392G>A, p.Gln464= (NM_001135.4, NM_001411096.1, NM_001411097.1 and 1 more transcripts).
Identifiers: ClinVar variation 2837547 (VCV002837547.3), dbSNP rs1896782095, ClinGen allele CA492283998.
Genomic context (GRCh38, chr15:88,845,845, plus strand): 5'-CTTTCCCACACCTGGCCTGGGCCCTGCCACGGCATTCACCAGTGAGGACCTCGTCGTGCA[G>A]GTGACCGCTGTCCCTGGGCAGCCGCATTTGCCAGGGGGTAAGTAGCTGCCCGTGGGTGCA-3'
Protein context (NP_001356197.1, residues 454-474): TAFTSEDLVV[Gln464=]VTAVPGQPHL

ClinVar aggregate classification (germline): Uncertain significance (1 of 4 stars; one submission).

Allele frequency attached by ClinVar (database versions not stated): gnomAD exomes 0.00001.

Submission:

Labcorp Genetics (formerly Invitae), Labcorp
Classification: Uncertain significance. Last evaluated: 2023-02-17. Review status: criteria provided, single submitter. Criteria: Invitae Variant Classification Sherloc (09022015). Collection method: clinical testing. Allele origin: germline.
Comment: This sequence change affects codon 464 of the ACAN mRNA. It is a 'silent' change, meaning that it does not change the encoded amino acid sequence of the ACAN protein. This variant is not present in population databases (gnomAD no frequency). This variant has not been reported in the literature in individuals affected with ACAN-related conditions. Algorithms developed to predict the effect of sequence changes on RNA splicing suggest that this variant may disrupt the consensus splice site. In summary, the available evidence is currently insufficient to determine the role of this variant in disease. Therefore, it has been classified as a Variant of Uncertain Significance.